The following is an entry in ClinVar:

NM_015909.4(NBAS):c.5297T>C (p.Leu1766Pro)

Gene: NBAS (NBAS subunit of NRZ tethering complex; minus strand). Cytogenetic location: 2p24.3.
Variant type: single nucleotide variant.
Coding change: c.5297T>C on transcript NM_015909.4 (MANE Select); coding-DNA position 5297, T replaced by C.
Protein change: p.Leu1766Pro; replaces leucine 1766 with proline.
Molecular consequence: missense variant. On other transcripts: non-coding transcript variant (1).
Genome position (GRCh38, 1-based): chr2:15,276,943, A>G on the plus strand (T>C on the coding strand, the complement: NBAS is on the minus strand). VCF-style: chr2-15276943-A-G. GRCh37 (hg19) VCF-style: chr2-15417067-A-G.
Other names: c.5297T>C (NM_015909.2); short protein forms L1766P.
Identifiers: ClinVar variation 1524396 (VCV001524396.9), dbSNP rs1294584287, ClinGen allele CA345883630.
Genomic context (GRCh38, chr2:15,276,943, plus strand): 5'-CGAATGTGGGTTTCTGGTTTAATGGCACAGTTCCCCAAATCTGCACAGCCACAGTTTTCC[A>G]GAAGAGTGAAATAATACTGCAGCCTTTCGTGATCAAAGCCACCAATAGTAGGGTAAATAT-3'
Protein context (NP_056993.2, residues 1756-1776): HERLQYYFTL[Leu1766Pro]ENCGCADLGN

ClinVar aggregate classification (germline): Uncertain significance. Review status: criteria provided, multiple submitters, no conflicts (2 of 4 stars). 3 submissions from 3 submitters: Uncertain significance (3). Last evaluated 2024-11-11.

Conditions:
Short stature-optic atrophy-Pelger-Huët anomaly syndrome. Also called: Short stature, optic nerve atrophy, and Pelger-Huet anomaly; Short stature-optic atrophy-Pelger-HuC+t anomaly syndrome. Identifiers: Orphanet 391677, MedGen C3541319, MONDO:0013889, OMIM 614800.
Inborn genetic diseases. Identifiers: MedGen C0950123, MeSH D030342.

Allele frequency attached by ClinVar (database versions not stated): gnomAD exomes below 0.00001; gnomAD 0.00001.
gnomAD v4.1: 3 of 1,614,000 alleles (0.00019%); highest among the groups gnomAD compares: Admixed American, 0.0017%; no homozygotes.

Submissions (3):

Labcorp Genetics (formerly Invitae), Labcorp
Classification: Uncertain significance. Last evaluated: 2024-11-11. Review status: criteria provided, single submitter. Criteria: Invitae Variant Classification Sherloc (09022015). Collection method: clinical testing. Allele origin: germline.
Comment: This sequence change replaces leucine, which is neutral and non-polar, with proline, which is neutral and non-polar, at codon 1766 of the NBAS protein (p.Leu1766Pro). This variant is not present in population databases (gnomAD no frequency). This variant has not been reported in the literature in individuals affected with NBAS-related conditions. ClinVar contains an entry for this variant (Variation ID: 1524396). Invitae Evidence Modeling of protein sequence and biophysical properties (such as structural, functional, and spatial information, amino acid conservation, physicochemical variation, residue mobility, and thermodynamic stability) has been performed for this missense variant. However, the output from this modeling did not meet the statistical confidence thresholds required to predict the impact of this variant on NBAS protein function. In summary, the available evidence is currently insufficient to determine the role of this variant in disease. Therefore, it has been classified as a Variant of Uncertain Significance.

Ambry Genetics
Classification: Uncertain significance for Inborn genetic diseases. Last evaluated: 2023-04-05. Review status: criteria provided, single submitter. Criteria: Ambry Variant Classification Scheme 2023. Collection method: clinical testing. Allele origin: germline.

Laboratorio de Genetica e Diagnostico Molecular, Hospital Israelita Albert Einstein
Classification: Uncertain significance for Short stature-optic atrophy-Pelger-Huët anomaly syndrome. Last evaluated: 2021-02-19. Review status: criteria provided, single submitter. Criteria: ACMG Guidelines, 2015. Collection method: clinical testing. Allele origin: germline. Affected: yes.
Comment: ACMG classification criteria: PM2, PP3 supporting